The following is an entry in ClinVar:

ClinVar aggregate classification (germline): Benign. Review status: criteria provided, multiple submitters, no conflicts (2 of 4 stars). 3 submissions from 3 submitters: Benign (2). 1 of the submissions does not count toward it. Last evaluated 2021-07-15.

Conditions:
SLC45A1-related disorder. Also called: SLC45A1-related condition.
Intellectual developmental disorder with neuropsychiatric features. Identifiers: MedGen C4479636, MONDO:0044322, OMIM 617532.

Allele frequency attached by ClinVar (database versions not stated): TOPMed 0.15046; 1000 Genomes Project 0.15435; 1000 Genomes Project 30x 0.15646; ESP Exome Variant Server 0.16193.
gnomAD v4.1: 284,058 of 1,603,016 alleles (18%); highest among the groups gnomAD compares: Middle Eastern, 29%; 27,380 homozygotes.

Submissions (3):

Genome-Nilou Lab
Classification: Benign for Intellectual developmental disorder with neuropsychiatric features. Last evaluated: 2021-07-15. Review status: criteria provided, single submitter. Criteria: ACMG Guidelines, 2015. Collection method: clinical testing. Allele origin: germline. Affected: no.

Breakthrough Genomics
Classification: Benign. Review status: criteria provided, single submitter. Criteria: ACMG Guidelines, 2015. Collection method: not provided. Allele origin: germline. Inheritance: Autosomal recessive inheritance. Affected: yes.

PreventionGenetics, part of Exact Sciences
Classification: Benign for SLC45A1-related condition. Last evaluated: 2019-10-17. Review status: no assertion criteria provided. Collection method: clinical testing. Allele origin: germline. Not counted in ClinVar's aggregate classification.
Comment: This variant is classified as benign based on ACMG/AMP sequence variant interpretation guidelines (Richards et al. 2015 PMID: 25741868, with internal and published modifications).

NM_001080397.3(SLC45A1):c.1507G>T (p.Ala503Ser)

Gene: SLC45A1 (solute carrier family 45 member 1; plus strand). Cytogenetic location: 1p36.23.
Variant type: single nucleotide variant.
Coding change: c.1507G>T on transcript NM_001080397.3 (MANE Select); coding-DNA position 1507, G replaced by T.
Protein change: p.Ala503Ser; replaces alanine 503 with serine.
Molecular consequence: missense variant.
Genome position (GRCh38, 1-based): chr1:8,335,500, G>T. VCF-style: chr1-8335500-G-T. GRCh37 (hg19) VCF-style: chr1-8395560-G-T.
Other names: c.1507G>T, p.Ala503Ser (NM_001379614.1); c.1414G>T, p.Ala472Ser (NM_001379615.1, NM_001379616.1); c.901G>T, p.Ala301Ser (NM_001379617.1, NM_001379618.1); short protein forms A301S, A472S, A503S.
Identifiers: ClinVar variation 1333148 (VCV001333148.5), dbSNP rs7535752, ClinGen allele CA570414.